The following is an entry in ClinVar:

ClinVar aggregate classification (germline): Conflicting classifications of pathogenicity. Review status: criteria provided, conflicting classifications (1 of 4 stars). 5 submissions from 5 submitters: Uncertain significance (1); Likely benign (3). 1 of the submissions does not count toward it. Last evaluated 2026-02-01.

Conditions:
Agammaglobulinemia 7, autosomal recessive (AGM7). Also called: AGAMMAGLOBULINEMIA, AUTOSOMAL RECESSIVE, DUE TO PIK3R1 DEFECT. Identifiers: MedGen C3554689, MONDO:0014083, OMIM 615214.
ANGPT1-related disorder. Also called: ANGPT1-related condition.
Hereditary angioedema type 3 (HAE3). Also called: HAE WITH NORMAL C1 INHIBITOR CONCENTRATION AND FUNCTION; ANGIONEUROTIC EDEMA, HEREDITARY, WITH NORMAL C1 INHIBITOR CONCENTRATION AND FUNCTION; ESTROGEN-RELATED HAE; ESTROGEN-SENSITIVE HAE. Identifiers: Orphanet 100054, MedGen C1857728, MONDO:0012526, OMIM 610618.

Allele frequency attached by ClinVar (database versions not stated): ESP Exome Variant Server 0.00069; gnomAD exomes 0.00088 and 0.00126; gnomAD 0.00109 and 0.00121; ExAC 0.00126; 1000 Genomes Project 0.00140; 1000 Genomes Project 30x 0.00156; TOPMed 0.00167.
gnomAD v4.1: 1,525 of 1,609,992 alleles (0.095%); highest among the groups gnomAD compares: Middle Eastern, 3.7%; 9 homozygotes.

Submissions (5):

Labcorp Genetics (formerly Invitae), Labcorp
Classification: Likely benign. Last evaluated: 2026-02-01. Review status: criteria provided, single submitter. Criteria: Invitae Variant Classification Sherloc (09022015). Collection method: clinical testing. Allele origin: germline.

Genomic Medicine Center of Excellence, King Faisal Specialist Hospital and Research Centre
Classification: Likely benign for Agammaglobulinemia 7, autosomal recessive. Last evaluated: 2025-07-30. Review status: criteria provided, single submitter. Criteria: ACMG Guidelines, 2015. Collection method: clinical testing. Allele origin: germline.

CeGaT Center for Human Genetics Tuebingen
Classification: Likely benign. Last evaluated: 2024-06-01. Review status: criteria provided, single submitter. Criteria: CeGaT Center For Human Genetics Tuebingen Variant Classification Criteria Version 2. Collection method: clinical testing. Allele origin: germline. Affected: yes. Observed: 1 variant allele.
Comment: ANGPT1: BP4

Division of Rheumatology, Allergy and Immunology, UCSD
Classification: Uncertain significance for Hereditary angioedema type 3. Last evaluated: 2020-08-25. Review status: criteria provided, single submitter. Criteria: ACMG Guidelines, 2015. Collection method: research. Allele origin: somatic. Affected: yes. Observed: 1 variant allele.
Comment: Identified in patients with clinical diagnosis of hereditary angioedema with normal C1-INH

PreventionGenetics, part of Exact Sciences
Classification: Likely benign for ANGPT1-related condition. Last evaluated: 2022-02-23. Review status: no assertion criteria provided. Collection method: clinical testing. Allele origin: germline. Not counted in ClinVar's aggregate classification.
Comment: This variant is classified as likely benign based on ACMG/AMP sequence variant interpretation guidelines (Richards et al. 2015 PMID: 25741868, with internal and published modifications).

NM_001146.5(ANGPT1):c.1151G>A (p.Arg384Gln)

Gene: ANGPT1 (angiopoietin 1; minus strand). Cytogenetic location: 8q23.1.
Variant type: single nucleotide variant.
Coding change: c.1151G>A on transcript NM_001146.5 (MANE Select); coding-DNA position 1151, G replaced by A.
Protein change: p.Arg384Gln; replaces arginine 384 with glutamine.
Molecular consequence: missense variant.
Genome position (GRCh38, 1-based): chr8:107,284,736, C>T on the plus strand (G>A on the coding strand, the complement: ANGPT1 is on the minus strand). VCF-style: chr8-107284736-C-T. GRCh37 (hg19) VCF-style: chr8-108296964-C-T.
Other names: c.1148G>A, p.Arg383Gln (NM_001199859.3); c.551G>A, p.Arg184Gln (NM_001314051.2); short protein forms R384Q, R383Q, R184Q.
Identifiers: ClinVar variation 778400 (VCV000778400.33), dbSNP rs146465357, ClinGen allele CA4841180.